The following is an entry in ClinVar:

ClinVar aggregate classification (germline): Likely benign (1 of 4 stars; one submission).

Allele frequency attached by ClinVar (database versions not stated): ExAC 0.00002; gnomAD 0.00003; TOPMed 0.00003; gnomAD exomes 0.00004; ESP Exome Variant Server 0.00008; 1000 Genomes Project 30x 0.00016; 1000 Genomes Project 0.00020.
gnomAD v4.1: 71 of 1,614,226 alleles (0.0044%); highest among the groups gnomAD compares: Middle Eastern, 0.033%; no homozygotes.

Submission:

CeGaT Center for Human Genetics Tuebingen
Classification: Likely benign. Last evaluated: 2025-02-01. Review status: criteria provided, single submitter. Criteria: CeGaT Center For Human Genetics Tuebingen Variant Classification Criteria Version 2. Collection method: clinical testing. Allele origin: germline. Affected: yes. Observed: 2 variant alleles.
Comment: EBF3: BP4, BP7

NM_001375380.1(EBF3):c.1365C>T (p.Asn455=)

Gene: EBF3 (EBF transcription factor 3; minus strand). Cytogenetic location: 10q26.3.
Variant type: single nucleotide variant.
Coding change: c.1365C>T on transcript NM_001375380.1 (MANE Select); coding-DNA position 1365, C replaced by T.
Protein change: p.Asn455=; no amino-acid change (asparagine 455 retained).
Molecular consequence: synonymous variant.
Genome position (GRCh38, 1-based): chr10:129,842,123, G>A on the plus strand (C>T on the coding strand, the complement: EBF3 is on the minus strand). VCF-style: chr10-129842123-G-A. GRCh37 (hg19) VCF-style: chr10-131640387-G-A.
Other names: c.1338C>T, p.Asn446= (NM_001005463.3, NM_001375390.1, NM_001375392.1); c.1365C>T, p.Asn455= (NM_001375379.1, NM_001375389.1, NM_001375391.1).
Identifiers: ClinVar variation 2640971 (VCV002640971.24), dbSNP rs200954762, ClinGen allele CA5748397.
Genomic context (GRCh38, chr10:129,842,123, plus strand): 5'-ACCAACCCTCGGAGGGCGTTCAGGGCAGGGGTCCTCCCAGCATGCTGGCATACCTTGGTC[G>A]TTGGCTTGTGACGTCTCTGACACGTTGACGGCTAGCTGGCTGCTGAAGGAGTTGACGCCC-3'
Protein context (NP_001362309.1, residues 445-465): AVNVSETSQA[Asn455=]DQVGYSRNTS